The following is an entry in ClinVar:

ClinVar aggregate classification (germline): Uncertain significance (1 of 4 stars; one submission).

Allele frequency attached by ClinVar (database versions not stated): gnomAD exomes 0.00001 and 0.00002; TOPMed 0.00002; gnomAD 0.00004 and 0.00005; ESP Exome Variant Server 0.00008; ExAC 0.00010; 1000 Genomes Project 30x 0.00016; 1000 Genomes Project 0.00020.
gnomAD v4.1: 16 of 1,551,868 alleles (0.001%); highest among the groups gnomAD compares: African/African-American, 0.016%; no homozygotes.

Submission:

Labcorp Genetics (formerly Invitae), Labcorp
Classification: Uncertain significance. Last evaluated: 2021-10-23. Review status: criteria provided, single submitter. Criteria: Invitae Variant Classification Sherloc (09022015). Collection method: clinical testing. Allele origin: germline.
Comment: This sequence change replaces arginine with cysteine at codon 9 of the IL2RB protein (p.Arg9Cys). The arginine residue is weakly conserved and there is a large physicochemical difference between arginine and cysteine. This variant is present in population databases (rs143132364, ExAC 0.07%). This variant has not been reported in the literature in individuals with IL2RB-related conditions. Algorithms developed to predict the effect of missense changes on protein structure and function output the following: SIFT: "Tolerated"; PolyPhen-2: "Benign"; Align-GVGD: "Class C0". The cysteine amino acid residue is found in multiple mammalian species, suggesting that this missense change does not adversely affect protein function. These predictions have not been confirmed by published functional studies and their clinical significance is uncertain. In summary, the available evidence is currently insufficient to determine the role of this variant in disease. Therefore, it has been classified as a Variant of Uncertain Significance.

NM_000878.5(IL2RB):c.25C>T (p.Arg9Cys)

Gene: IL2RB (interleukin 2 receptor subunit beta; minus strand). Cytogenetic location: 22q12.3.
Variant type: single nucleotide variant.
Coding change: c.25C>T on transcript NM_000878.5 (MANE Select); coding-DNA position 25, C replaced by T.
Protein change: p.Arg9Cys; replaces arginine 9 with cysteine.
Molecular consequence: missense variant.
Genome position (GRCh38, 1-based): chr22:37,144,148, G>A on the plus strand (C>T on the coding strand, the complement: IL2RB is on the minus strand). VCF-style: chr22-37144148-G-A. GRCh37 (hg19) VCF-style: chr22-37540188-G-A.
Other names: c.25C>T, p.Arg9Cys (NM_001346222.1, NM_001346223.2); short protein forms R9C.
Identifiers: ClinVar variation 1473175 (VCV001473175.3), dbSNP rs143132364, ClinGen allele CA10216783.